The following is an entry in ClinVar:

NM_001429.4(EP300):c.763T>A (p.Ser255Thr)

Gene: EP300 (E1A binding protein p300; plus strand). Cytogenetic location: 22q13.2.
Variant type: single nucleotide variant.
Coding change: c.763T>A on transcript NM_001429.4 (MANE Select); coding-DNA position 763, T replaced by A.
Protein change: p.Ser255Thr; replaces serine 255 with threonine.
Molecular consequence: missense variant.
Genome position (GRCh38, 1-based): chr22:41,125,897, T>A. VCF-style: chr22-41125897-T-A. GRCh37 (hg19) VCF-style: chr22-41521901-T-A.
Other names: c.763T>A, p.Ser255Thr (NM_001362843.2); short protein forms S255T.
Identifiers: ClinVar variation 3391775 (VCV003391775.1).

ClinVar aggregate classification (germline): Uncertain significance (1 of 4 stars; one submission).

gnomAD v4.1: 3 of 1,614,090 alleles (0.00019%); highest among the groups gnomAD compares: Non-Finnish European, 0.00025%; no homozygotes.

Submission:

GeneDx
Classification: Uncertain significance. Last evaluated: 2024-06-20. Review status: criteria provided, single submitter. Criteria: GeneDx Variant Classification Process June 2021. Collection method: clinical testing. Allele origin: germline. Affected: yes.
Comment: In silico analysis indicates that this missense variant does not alter protein structure/function; Has not been previously published as pathogenic or benign to our knowledge